The following is an entry in ClinVar:

NM_012414.4(RAB3GAP2):c.3940C>T (p.His1314Tyr)

Gene: RAB3GAP2 (RAB3 GTPase activating non-catalytic protein subunit 2; minus strand). Cytogenetic location: 1q41.
Variant type: single nucleotide variant.
Coding change: c.3940C>T on transcript NM_012414.4 (MANE Select); coding-DNA position 3940, C replaced by T.
Protein change: p.His1314Tyr; replaces histidine 1314 with tyrosine.
Molecular consequence: missense variant.
Genome position (GRCh38, 1-based): chr1:220,151,692, G>A on the plus strand (C>T on the coding strand, the complement: RAB3GAP2 is on the minus strand). VCF-style: chr1-220151692-G-A. GRCh37 (hg19) VCF-style: chr1-220325034-G-A.
Other names: short protein forms H1314Y.
Identifiers: ClinVar variation 2037404 (VCV002037404.5), dbSNP rs368839721, ClinGen allele CA1402000.

ClinVar aggregate classification (germline): Conflicting classifications of pathogenicity. Review status: criteria provided, conflicting classifications (1 of 4 stars). 2 submissions from 2 submitters: Uncertain significance (1); Likely benign (1). Last evaluated 2022-07-09.

Conditions:
Warburg micro syndrome 2 (WARBM2). Also called: MICRO SYNDROME 2. Identifiers: Orphanet 2510, MedGen C3280214, MONDO:0013641, OMIM 614225.
Martsolf syndrome (MARTS). Also called: Congenital cataract with intellectual disability and hypogonadotropic hypogonadism syndrome. Identifiers: Orphanet 1387, MedGen C0796037, MONDO:0023910.
Inborn genetic diseases. Identifiers: MedGen C0950123, MeSH D030342.

Allele frequency attached by ClinVar (database versions not stated): ExAC 0.00002; gnomAD 0.00003; TOPMed 0.00004; gnomAD exomes 0.00007; ESP Exome Variant Server 0.00008.
gnomAD v4.1: 100 of 1,611,478 alleles (0.0062%); highest among the groups gnomAD compares: Non-Finnish European, 0.008%; no homozygotes.

Submissions (2):

Labcorp Genetics (formerly Invitae), Labcorp
Classification: Uncertain significance for Martsolf syndrome; Warburg micro syndrome 2. Last evaluated: 2022-07-09. Review status: criteria provided, single submitter. Criteria: Invitae Variant Classification Sherloc (09022015). Collection method: clinical testing. Allele origin: germline.
Comment: In summary, the available evidence is currently insufficient to determine the role of this variant in disease. Therefore, it has been classified as a Variant of Uncertain Significance. Algorithms developed to predict the effect of missense changes on protein structure and function output the following: SIFT: "Tolerated"; PolyPhen-2: "Benign"; Align-GVGD: "Class C0". The tyrosine amino acid residue is found in multiple mammalian species, which suggests that this missense change does not adversely affect protein function. This variant has not been reported in the literature in individuals affected with RAB3GAP2-related conditions. This variant is present in population databases (rs368839721, gnomAD 0.006%). This sequence change replaces histidine, which is basic and polar, with tyrosine, which is neutral and polar, at codon 1314 of the RAB3GAP2 protein (p.His1314Tyr).

Ambry Genetics
Classification: Likely benign for Inborn genetic diseases. Last evaluated: 2022-05-27. Review status: criteria provided, single submitter. Criteria: Ambry Variant Classification Scheme 2023. Collection method: clinical testing. Allele origin: germline.